The following is an entry in ClinVar:

NM_173689.7(CRB2):c.3846_3849del (p.Glu1282fs)

Gene: CRB2 (crumbs cell polarity complex component 2; plus strand). Cytogenetic location: 9q33.3.
Variant type: Microsatellite.
Coding change: c.3846_3849del on transcript NM_173689.7 (MANE Select); coding-DNA positions 3846 to 3849, 4 bases deleted (GAGA; older notation c.3846_3849delGAGA).
Protein change: p.Glu1282fs; shifts the reading frame from glutamic acid 1282.
Molecular consequence: frameshift variant. On other transcripts: non-coding transcript variant (1).
Genome position (GRCh38, 1-based): chr9:123,377,050-123,377,053, GAGA deleted; deleting any 4 consecutive bases within chr9:123,377,048-123,377,053 gives the same sequence; the c. name uses the placement nearest the transcript's 3' end. VCF-style (leftmost placement, unchanged base first): chr9-123377047-GGAGA-G. GRCh37 (hg19) VCF-style: chr9-126139326-GGAGA-G.
Other names: short protein forms E1282fs.
Identifiers: ClinVar variation 2636852 (VCV002636852.1), dbSNP rs1451708328, ClinGen allele CA859794773.
Genomic context (GRCh38, chr9:123,377,047, plus strand): 5'-CCAGCAGGAGGTGGCTGGGGCCCGGCTGGAGATGGACAGTGTCCTCAAGGTGCCACCGGA[GGAGA>G]GACTCATCTAGGCCAGCCTGGCTGCTGGCACCAGCACCTGGAGGTCCTGAATGGTTTCTA-3'

ClinVar aggregate classification (germline): Uncertain significance (1 of 4 stars; one submission).

Conditions:
CRB2-related disorder. Also called: CRB2-related condition; CRB2-related disorders.

Submission:

PreventionGenetics, part of Exact Sciences
Classification: Uncertain significance for CRB2-related condition. Last evaluated: 2023-06-21. Review status: criteria provided, single submitter. Criteria: ACMG Guidelines, 2015. Collection method: clinical testing. Allele origin: germline.
Comment: The CRB2 c.3846_3849delGAGA variant is predicted to result in a frameshift and premature protein termination (p.Glu1282Aspfs*117). XXXXXXXXXXXXXXXXXXXXXXXXXXXXXXXXXXXXXXXXXXXXXXXXXXXXXXXXXXX which is predicted to result in a stop loss and a C-terminal extension (p.Glu1282Aspfs*117) (the canonical stop codon is at position p.1286). To our knowledge, this variant has not been reported in the literature or in a large population database, indicating this variant is rare. Although we suspect that this variant may be pathogenic, at this time, the clinical significance of this variant is uncertain due to the absence of conclusive functional and genetic evidence.